The following is an entry in ClinVar:

NM_014847.4(UBAP2L):c.2926_2927del (p.Thr976fs)

Gene: UBAP2L (ubiquitin associated protein 2 like; plus strand). Cytogenetic location: 1q21.3.
Variant type: Microsatellite.
Coding change: c.2926_2927del on transcript NM_014847.4 (MANE Select); coding-DNA positions 2926 to 2927, 2 bases deleted (AC; older notation c.2926_2927delAC).
Protein change: p.Thr976fs; shifts the reading frame from threonine 976.
Molecular consequence: frameshift variant.
Genome position (GRCh38, 1-based): chr1:154,266,524-154,266,525, AC deleted; deleting any 2 consecutive bases within chr1:154,266,522-154,266,525 gives the same sequence; the c. name uses the placement nearest the transcript's 3' end. VCF-style (leftmost placement, unchanged base first): chr1-154266521-AAC-A. GRCh37 (hg19) VCF-style: chr1-154238997-AAC-A.
Other names: c.2959_2960del, p.Thr987fs (NM_001287816.1, NM_001330730.1, NM_001375612.1 and 2 more transcripts); c.2926_2927del, p.Thr976fs (NM_001375614.1, NM_001375615.1, NM_001375616.1 and 10 more transcripts); short protein forms T976fs, T987fs.
Identifiers: ClinVar variation 854506 (VCV000854506.11), dbSNP rs1683280621, ClinGen allele CA916082085.

ClinVar aggregate classification (germline): Pathogenic/Likely pathogenic. Review status: criteria provided, multiple submitters, no conflicts (2 of 4 stars). 2 submissions from 2 submitters: Pathogenic (1); Likely pathogenic (1). Last evaluated 2025-06-07.

Conditions:
Neurodevelopmental disorder with impaired language, behavioral abnormalities, and dysmorphic facies (NEDLBF). Identifiers: MedGen C5882686, MONDO:0957588, OMIM 620494.

Submissions (2):

Dasa
Classification: Likely pathogenic for Neurodevelopmental disorder with impaired language, behavioral abnormalities, and dysmorphic facies. Last evaluated: 2025-06-07. Review status: criteria provided, single submitter. Criteria: DASA Assertion Criteria. Collection method: clinical testing. Allele origin: germline.
Comment: NM_014847.4(UBAP2L):c.2926_2927del (p.Thr976Glyfs*18) is a frameshift variant in UBAP2L predicted to alter the reading frame and introduce a premature termination codon and is predicted to result in an absent or altered protein product. Loss of function is an established disease mechanism for UBAP2L-associated disorders. Also, this variant is absent from population databases. Based on the currently available evidence, this variant is classified as likely pathogenic.

Labcorp Genetics (formerly Invitae), Labcorp
Classification: Pathogenic. Last evaluated: 2024-10-23. Review status: criteria provided, single submitter. Criteria: Invitae Variant Classification Sherloc (09022015). Collection method: clinical testing. Allele origin: germline.
Comment: This sequence change creates a premature translational stop signal (p.Thr976Glyfs*18) in the UBAP2L gene. It is expected to result in an absent or disrupted protein product. Loss-of-function variants in UBAP2L are known to be pathogenic (PMID: 35977029). This variant is not present in population databases (gnomAD no frequency). This variant has not been reported in the literature in individuals affected with UBAP2L-related conditions. ClinVar contains an entry for this variant (Variation ID: 854506). For these reasons, this variant has been classified as Pathogenic.

Literature cited by the submitters: PubMed 35977029 (cited by Labcorp Genetics (formerly Invitae), Labcorp).